The following is an entry in ClinVar:

ClinVar aggregate classification (germline): Uncertain significance (1 of 4 stars; one submission).

gnomAD v4.1: 1 of 1,611,234 alleles (0.000062%); highest among the groups gnomAD compares: South Asian, 0.0011%; no homozygotes.

Submission:

Labcorp Genetics (formerly Invitae), Labcorp
Classification: Uncertain significance. Last evaluated: 2026-01-06. Review status: criteria provided, single submitter. Criteria: Invitae Variant Classification Sherloc (09022015). Collection method: clinical testing. Allele origin: germline.
Comment: This sequence change replaces threonine, which is neutral and polar, with lysine, which is basic and polar, at codon 21 of the PIK3C2A protein (p.Thr21Lys). This variant is not present in population databases (gnomAD no frequency). This variant has not been reported in the literature in individuals affected with PIK3C2A-related conditions. An algorithm developed to predict the effect of missense changes on protein structure and function (PolyPhen-2) suggests that this variant is likely to be tolerated. In summary, the available evidence is currently insufficient to determine the role of this variant in disease. Therefore, it has been classified as a Variant of Uncertain Significance.

NM_002645.4(PIK3C2A):c.62C>A (p.Thr21Lys)

Gene: PIK3C2A (phosphatidylinositol-4-phosphate 3-kinase catalytic subunit type 2 alpha; minus strand). Cytogenetic location: 11p15.1.
Variant type: single nucleotide variant.
Coding change: c.62C>A on transcript NM_002645.4 (MANE Select); coding-DNA position 62, C replaced by A.
Protein change: p.Thr21Lys; replaces threonine 21 with lysine.
Molecular consequence: missense variant. On other transcripts: intron variant (1).
Genome position (GRCh38, 1-based): chr11:17,169,680, G>T on the plus strand (C>A on the coding strand, the complement: PIK3C2A is on the minus strand). VCF-style: chr11-17169680-G-T. GRCh37 (hg19) VCF-style: chr11-17191227-G-T.
Other names: c.62C>A, p.Thr21Lys (NM_001321378.2, NM_001386870.1); c.-75-14051C>A (NM_001321380.2); short protein forms T21K.
Identifiers: ClinVar variation 4695180 (VCV004695180.1).